The following is an entry in ClinVar:

NM_000264.5(PTCH1):c.1270A>G (p.Thr424Ala)

Gene: PTCH1 (patched 1; minus strand). Cytogenetic location: 9q22.32.
Variant type: single nucleotide variant.
Coding change: c.1270A>G on transcript NM_000264.5 (MANE Select); coding-DNA position 1270, A replaced by G.
Protein change: p.Thr424Ala; replaces threonine 424 with alanine.
Molecular consequence: missense variant. On other transcripts: non-coding transcript variant (1).
Genome position (GRCh38, 1-based): chr9:95,478,132, T>C on the plus strand (A>G on the coding strand, the complement: PTCH1 is on the minus strand). VCF-style: chr9-95478132-T-C. GRCh37 (hg19) VCF-style: chr9-98240414-T-C.
Other names: c.1072A>G, p.Thr358Ala (NM_001083602.3); c.1267A>G, p.Thr423Ala (NM_001083603.3); c.817A>G, p.Thr273Ala (NM_001083604.3, NM_001083605.3, NM_001083606.3 and 1 more transcripts); c.1270A>G, p.Thr424Ala (NM_001354918.2); short protein forms T358A, T423A, T424A, T273A.
Identifiers: ClinVar variation 1765310 (VCV001765310.2), dbSNP rs1296267604, ClinGen allele CA374118859.

ClinVar aggregate classification (germline): Uncertain significance (1 of 4 stars; one submission).

Conditions:
Hereditary cancer-predisposing syndrome. Also called: Neoplastic Syndromes, Hereditary; Tumor predisposition; Hereditary Cancer Syndrome; Hereditary neoplastic syndrome. Identifiers: Orphanet 140162, MedGen C0027672, MeSH D009386, MONDO:0015356.

Submission:

Ambry Genetics
Classification: Uncertain significance for Hereditary cancer-predisposing syndrome. Last evaluated: 2022-05-25. Review status: criteria provided, single submitter. Criteria: Ambry Variant Classification Scheme 2023. Collection method: clinical testing. Allele origin: germline.
Comment: The p.T424A variant (also known as c.1270A>G), located in coding exon 9 of the PTCH1 gene, results from an A to G substitution at nucleotide position 1270. The threonine at codon 424 is replaced by alanine, an amino acid with similar properties. This amino acid position is conserved. In addition, the in silico prediction for this alteration is inconclusive. Since supporting evidence is limited at this time, the clinical significance of this alteration remains unclear.